The following is an entry in ClinVar:

NM_002850.4(PTPRS):c.4332T>C (p.Ser1444=)

Gene: PTPRS (protein tyrosine phosphatase receptor type S; minus strand). Cytogenetic location: 19p13.3.
Variant type: single nucleotide variant.
Coding change: c.4332T>C on transcript NM_002850.4 (MANE Select); coding-DNA position 4332, T replaced by C.
Protein change: p.Ser1444=; no amino-acid change (serine 1444 retained).
Molecular consequence: synonymous variant.
Genome position (GRCh38, 1-based): chr19:5,214,723, A>G on the plus strand (T>C on the coding strand, the complement: PTPRS is on the minus strand). VCF-style: chr19-5214723-A-G. GRCh37 (hg19) VCF-style: chr19-5214734-A-G.
Other names: c.4266T>C, p.Ser1422= (NM_001394011.1); c.4245T>C, p.Ser1415= (NM_001394012.1); c.4206T>C, p.Ser1402= (NM_001394013.1); c.2991T>C, p.Ser997= (NM_130853.3); c.4218T>C, p.Ser1406= (NM_130854.3); c.3003T>C, p.Ser1001= (NM_130855.3).
Identifiers: ClinVar variation 3040284 (VCV003040284.2), dbSNP rs115258999, ClinGen allele CA9109159.
Genomic context (GRCh38, chr19:5,214,723, plus strand): 5'-CGTGGCAATGTACGCGTTCTGACACCGGTAGCCGTCCACGTAGTTGGCATTGATGTAATC[A>G]CTGCCCATGATGCCTGCAGCCAGGGCGAGAGGCCAGGGATCTGTGGGGGCTGTCTTGCTA-3'
Protein context (NP_002841.3, residues 1434-1454): ILQPIEGIMG[Ser1444=]DYINANYVDG

ClinVar aggregate classification (germline): Benign (0 of 4 stars; one submission).

Conditions:
PTPRS-related disorder. Also called: PTPRS-related condition.

Allele frequency attached by ClinVar (database versions not stated): ExAC 0.00081; 1000 Genomes Project 0.00200; 1000 Genomes Project 30x 0.00234; gnomAD 0.00250; TOPMed 0.00254; ESP Exome Variant Server 0.00292.
gnomAD v4.1: 715 of 1,604,310 alleles (0.045%); highest among the groups gnomAD compares: African/African-American, 0.84%; 2 homozygotes.

Submission:

PreventionGenetics, part of Exact Sciences
Classification: Benign for PTPRS-related condition. Last evaluated: 2024-04-02. Review status: no assertion criteria provided. Collection method: clinical testing. Allele origin: germline.
Comment: This variant is classified as benign based on ACMG/AMP sequence variant interpretation guidelines (Richards et al. 2015 PMID: 25741868, with internal and published modifications).